The following is an entry in ClinVar:

NM_001370259.2(MEN1):c.844A>G (p.Asn282Asp)

Gene: MEN1 (menin 1; minus strand). Cytogenetic location: 11q13.1.
Variant type: single nucleotide variant.
Coding change: c.844A>G on transcript NM_001370259.2 (MANE Select); coding-DNA position 844, A replaced by G.
Protein change: p.Asn282Asp; replaces asparagine 282 with aspartic acid.
Molecular consequence: missense variant. On other transcripts: non-coding transcript variant (4).
Genome position (GRCh38, 1-based): chr11:64,807,079, T>C on the plus strand (A>G on the coding strand, the complement: MEN1 is on the minus strand). VCF-style: chr11-64807079-T-C. GRCh37 (hg19) VCF-style: chr11-64574551-T-C.
Other names: c.859A>G, p.Asn287Asp (NM_000244.4, NM_001407145.1, NM_001407150.1 and 5 more transcripts); c.844A>G, p.Asn282Asp (NM_001370251.2, NM_001370260.2, NM_001370261.2 and 7 more transcripts); c.739A>G, p.Asn247Asp (NM_001370262.2, NM_001370263.2, NM_001407148.1 and 2 more transcripts); short protein forms N247D, N287D, N282D.
Identifiers: ClinVar variation 3394962 (VCV003394962.1).

ClinVar aggregate classification (germline): Uncertain significance (1 of 4 stars; one submission).

Conditions:
Hereditary cancer-predisposing syndrome. Also called: Hereditary Cancer Syndrome; Tumor predisposition; Hereditary neoplastic syndrome; Neoplastic Syndromes, Hereditary. Identifiers: Orphanet 140162, MedGen C0027672, MeSH D009386, MONDO:0015356.

Submission:

Ambry Genetics
Classification: Uncertain significance for Hereditary cancer-predisposing syndrome. Last evaluated: 2024-08-28. Review status: criteria provided, single submitter. Criteria: Ambry Variant Classification Scheme 2023. Collection method: clinical testing. Allele origin: germline.
Comment: The p.N282D variant (also known as c.844A>G), located in coding exon 5 of the MEN1 gene, results from an A to G substitution at nucleotide position 844. The asparagine at codon 282 is replaced by aspartic acid, an amino acid with highly similar properties. This amino acid position is conserved. In addition, the in silico prediction for this alteration is inconclusive. Based on the available evidence, the clinical significance of this variant remains unclear.